The following is an entry in ClinVar:

ClinVar aggregate classification (germline): Uncertain significance (1 of 4 stars; one submission).

Conditions:
Mitochondrial complex II deficiency, nuclear type 1. Also called: SUCCINATE CoQ REDUCTASE DEFICIENCY. Identifiers: Orphanet 3208, MedGen C5700310, MONDO:0100294, OMIM 252011.
Pheochromocytoma/paraganglioma syndrome 5. Also called: Paragangliomas 5; SDHA-Related Hereditary Paraganglioma-Pheochromocytoma Syndrome. Identifiers: Orphanet 29072, MedGen C3279992, MONDO:0013602, OMIM 614165.

Submission:

Labcorp Genetics (formerly Invitae), Labcorp
Classification: Uncertain significance for Pheochromocytoma/paraganglioma syndrome 5; Mitochondrial complex II deficiency, nuclear type 1. Last evaluated: 2022-02-19. Review status: criteria provided, single submitter. Criteria: Invitae Variant Classification Sherloc (09022015). Collection method: clinical testing. Allele origin: germline.
Comment: In summary, the available evidence is currently insufficient to determine the role of this variant in disease. Therefore, it has been classified as a Variant of Uncertain Significance. Algorithms developed to predict the effect of missense changes on protein structure and function are either unavailable or do not agree on the potential impact of this missense change (SIFT: "Deleterious"; PolyPhen-2: "Probably Damaging"; Align-GVGD: "Class C0"). ClinVar contains an entry for this variant (Variation ID: 965518). This variant has not been reported in the literature in individuals affected with SDHA-related conditions. This variant is not present in population databases (gnomAD no frequency). This sequence change replaces alanine, which is neutral and non-polar, with threonine, which is neutral and polar, at codon 255 of the SDHA protein (p.Ala255Thr).

NM_004168.4(SDHA):c.763G>A (p.Ala255Thr)

Gene: SDHA (succinate dehydrogenase complex flavoprotein subunit A; plus strand). Cytogenetic location: 5p15.33.
Variant type: single nucleotide variant.
Coding change: c.763G>A on transcript NM_004168.4 (MANE Select); coding-DNA position 763, G replaced by A.
Protein change: p.Ala255Thr; replaces alanine 255 with threonine.
Molecular consequence: missense variant.
Genome position (GRCh38, 1-based): chr5:228,326, G>A. VCF-style: chr5-228326-G-A. GRCh37 (hg19) VCF-style: chr5-228441-G-A.
Other names: c.619G>A, p.Ala207Thr (NM_001294332.2); c.763G>A, p.Ala255Thr (NM_001330758.2); short protein forms A207T, A255T.
Identifiers: ClinVar variation 965518 (VCV000965518.10), dbSNP rs1735179887, ClinGen allele CA359011237.